The following is an entry in ClinVar:

ClinVar aggregate classification (germline): Conflicting classifications of pathogenicity. Review status: criteria provided, conflicting classifications (1 of 4 stars). 6 submissions from 6 submitters: Uncertain significance (4); Likely benign (2). Last evaluated 2025-04-29.

Conditions:
Inborn genetic diseases. Identifiers: MedGen C0950123, MeSH D030342.
Developmental and epileptic encephalopathy, 25 (DEE25). Also called: Epileptic encephalopathy, early infantile, 25; Developmental and epileptic encephalopathy 25, with amelogenesis imperfecta; Epileptic encephalopathy, early infantile, 25, with amelogenesis imperfecta. Identifiers: Orphanet 442835, MedGen C4014621, MONDO:0014392, OMIM 615905.

Allele frequency attached by ClinVar (database versions not stated): ExAC 0.00017; gnomAD 0.00026 and 0.00025; gnomAD exomes 0.00030 and 0.00020; ESP Exome Variant Server 0.00038; TOPMed 0.00020.
gnomAD v4.1: 484 of 1,614,096 alleles (0.03%); highest among the groups gnomAD compares: Middle Eastern, 0.082%; 2 homozygotes.

Submissions (6):

GeneDx
Classification: Uncertain significance. Last evaluated: 2025-04-29. Review status: criteria provided, single submitter. Criteria: GeneDx Variant Classification Process June 2021. Collection method: clinical testing. Allele origin: germline. Affected: yes.
Comment: In silico analysis indicates that this missense variant does not alter protein structure/function; Has not been previously published as pathogenic or benign to our knowledge

Labcorp Genetics (formerly Invitae), Labcorp
Classification: Uncertain significance for Developmental and epileptic encephalopathy, 25. Last evaluated: 2022-11-01. Review status: criteria provided, single submitter. Criteria: Invitae Variant Classification Sherloc (09022015). Collection method: clinical testing. Allele origin: germline.
Comment: This sequence change replaces valine, which is neutral and non-polar, with isoleucine, which is neutral and non-polar, at codon 456 of the SLC13A5 protein (p.Val456Ile). This variant is present in population databases (rs146047560, gnomAD 0.1%). This variant has not been reported in the literature in individuals affected with SLC13A5-related conditions. ClinVar contains an entry for this variant (Variation ID: 475193). Advanced modeling of protein sequence and biophysical properties (such as structural, functional, and spatial information, amino acid conservation, physicochemical variation, residue mobility, and thermodynamic stability) performed at Invitae indicates that this missense variant is not expected to disrupt SLC13A5 protein function. In summary, the available evidence is currently insufficient to determine the role of this variant in disease. Therefore, it has been classified as a Variant of Uncertain Significance.

CeGaT Center for Human Genetics Tuebingen
Classification: Likely benign. Last evaluated: 2022-08-01. Review status: criteria provided, single submitter. Criteria: CeGaT Center For Human Genetics Tuebingen Variant Classification Criteria Version 2. Collection method: clinical testing. Allele origin: germline. Affected: yes. Observed: 2 variant alleles.
Comment: SLC13A5: BP4

Genome-Nilou Lab
Classification: Uncertain significance for Developmental and epileptic encephalopathy, 25. Last evaluated: 2021-07-15. Review status: criteria provided, single submitter. Criteria: ACMG Guidelines, 2015. Collection method: clinical testing. Allele origin: germline. Affected: no.

Ambry Genetics
Classification: Likely benign for Inborn genetic diseases. Last evaluated: 2021-04-09. Review status: criteria provided, single submitter. Criteria: Ambry Variant Classification Scheme 2023. Collection method: clinical testing. Allele origin: germline.

Breakthrough Genomics
Classification: Uncertain significance. Review status: criteria provided, single submitter. Criteria: ACMG Guidelines, 2015. Collection method: not provided. Allele origin: germline. Inheritance: Autosomal recessive inheritance. Affected: yes.

NM_177550.5(SLC13A5):c.1366G>A (p.Val456Ile)

Gene: SLC13A5 (solute carrier family 13 member 5; minus strand). Cytogenetic location: 17p13.1.
Variant type: single nucleotide variant.
Coding change: c.1366G>A on transcript NM_177550.5 (MANE Select); coding-DNA position 1366, G replaced by A.
Protein change: p.Val456Ile; replaces valine 456 with isoleucine.
Molecular consequence: missense variant.
Genome position (GRCh38, 1-based): chr17:6,690,850, C>T on the plus strand (G>A on the coding strand, the complement: SLC13A5 is on the minus strand). VCF-style: chr17-6690850-C-T. GRCh37 (hg19) VCF-style: chr17-6594169-C-T.
Other names: c.1366G>A (NM_177550.3); c.1366G>A, p.Val456Ile (NM_001143838.3); c.1315G>A, p.Val439Ile (NM_001284509.2); c.1237G>A, p.Val413Ile (NM_001284510.2); short protein forms V456I, V439I, V413I.
Identifiers: ClinVar variation 475193 (VCV000475193.54), dbSNP rs146047560, ClinGen allele CA8331405.
Genomic context (GRCh38, chr17:6,690,850, plus strand): 5'-AGATGGGCAGGAACAAGGTGGTGGTGGCCACGTTGCTTGTGCACTCAGTGAACACGGCAA[C>T]GAGCAAGGACAAGATCAAGGTGATGGCTGCCGGGGGCACTGCGTGCAAGGGCTCCATCTG-3'
Protein context (NP_808218.1, residues 446-466): AAITLILSLL[Val456Ile]AVFTECTSNV